The following is an entry in ClinVar:

NM_005219.5(DIAPH1):c.2025C>G (p.Ile675Met)

Gene: DIAPH1 (diaphanous related formin 1; minus strand). Cytogenetic location: 5q31.3.
Variant type: single nucleotide variant.
Coding change: c.2025C>G on transcript NM_005219.5 (MANE Select); coding-DNA position 2025, C replaced by G.
Protein change: p.Ile675Met; replaces isoleucine 675 with methionine.
Molecular consequence: missense variant.
Genome position (GRCh38, 1-based): chr5:141,573,825, G>C on the plus strand (C>G on the coding strand, the complement: DIAPH1 is on the minus strand). VCF-style: chr5-141573825-G-C. GRCh37 (hg19) VCF-style: chr5-140953392-G-C.
Other names: c.1998C>G, p.Ile666Met (NM_001079812.3); c.2025C>G, p.Ile675Met (NM_001314007.2); short protein forms I675M, I666M.
Identifiers: ClinVar variation 1350232 (VCV001350232.8), dbSNP rs557522528, ClinGen allele CA361519038.
Genomic context (GRCh38, chr5:141,573,825, plus strand): 5'-AGGCAAAGGAGGTGGTGGTGGGGGGATTCTAGCACTCCCAGGCAAAGGAGGAGGTGGGGG[G>C]ATGGCAGTACCTCCAGGCAAAGAAGAGGGTGAAGGGATGCCAACACCCTCAGGCAAAGGA-3'
Protein context (NP_005210.3, residues 665-685): SPSSLPGGTA[Ile675Met]PPPPPLPGSA

ClinVar aggregate classification (germline): Uncertain significance (1 of 4 stars; one submission).

Conditions:
Progressive microcephaly-seizures-cortical blindness-developmental delay syndrome. Also called: Seizures, cortical blindness, and microcephaly syndrome. Identifiers: Orphanet 477814, MedGen C5567650, MONDO:0014714, OMIM 616632.
Autosomal dominant nonsyndromic hearing loss 1. Also called: DEAFNESS, AUTOSOMAL DOMINANT 1, WITH OR WITHOUT THROMBOCYTOPENIA; KONIGSMARK SYNDROME. Identifiers: Orphanet 90635, MedGen C1852282, MONDO:0007424, OMIM 124900.

Submission:

Labcorp Genetics (formerly Invitae), Labcorp
Classification: Uncertain significance for Progressive microcephaly-seizures-cortical blindness-developmental delay syndrome; Autosomal dominant nonsyndromic hearing loss 1. Last evaluated: 2021-03-13. Review status: criteria provided, single submitter. Criteria: Invitae Variant Classification Sherloc (09022015). Collection method: clinical testing. Allele origin: germline.
Comment: The frequency data for this variant in the population databases is considered unreliable, as metrics indicate insufficient coverage at this position in the ExAC database. This sequence change replaces isoleucine with methionine at codon 675 of the DIAPH1 protein (p.Ile675Met). The isoleucine residue is weakly conserved and there is a small physicochemical difference between isoleucine and methionine. This variant has not been reported in the literature in individuals with DIAPH1-related conditions. Algorithms developed to predict the effect of missense changes on protein structure and function are either unavailable or do not agree on the potential impact of this missense change (SIFT: "Deleterious"; PolyPhen-2: "Not Available"; Align-GVGD: "Class C0"). In summary, the available evidence is currently insufficient to determine the role of this variant in disease. Therefore, it has been classified as a Variant of Uncertain Significance.